The following is an entry in ClinVar:

NM_130810.4(DNAAF4):c.884A>G (p.Asp295Gly)

Genes: DNAAF4 (dynein axonemal assembly factor 4; minus strand), DNAAF4-CCPG1 (DNAAF4-CCPG1 readthrough (NMD candidate); minus strand). Cytogenetic location: 15q21.3.
Variant type: single nucleotide variant.
Coding change: c.884A>G on transcript NM_130810.4 (MANE Select); coding-DNA position 884, A replaced by G.
Protein change: p.Asp295Gly; replaces aspartic acid 295 with glycine.
Molecular consequence: missense variant. On other transcripts: non-coding transcript variant (1).
Genome position (GRCh38, 1-based): chr15:55,439,481, T>C on the plus strand (A>G on the coding strand, the complement: DNAAF4 is on the minus strand). VCF-style: chr15-55439481-T-C. GRCh37 (hg19) VCF-style: chr15-55731679-T-C.
Other names: c.884A>G, p.Asp295Gly (NM_001033559.3, NM_001033560.2); short protein forms D295G.
Identifiers: ClinVar variation 4528084 (VCV004528084.1).

ClinVar aggregate classification (germline): Uncertain significance (1 of 4 stars; one submission).

Submission:

GeneDx
Classification: Uncertain significance. Last evaluated: 2025-05-08. Review status: criteria provided, single submitter. Criteria: GeneDx Variant Classification Process June 2021. Collection method: clinical testing. Allele origin: germline. Affected: yes.
Comment: Not observed at significant frequency in large population cohorts (gnomAD); In silico analysis supports that this missense variant has a deleterious effect on protein structure/function; Has not been previously published as pathogenic or benign to our knowledge